The following is an entry in ClinVar:

NM_014875.3(KIF14):c.1626C>T (p.Tyr542=)

Gene: KIF14 (kinesin family member 14; minus strand). Cytogenetic location: 1q32.1.
Variant type: single nucleotide variant.
Coding change: c.1626C>T on transcript NM_014875.3 (MANE Select); coding-DNA position 1626, C replaced by T.
Protein change: p.Tyr542=; no amino-acid change (tyrosine 542 retained).
Molecular consequence: synonymous variant.
Genome position (GRCh38, 1-based): chr1:200,605,876, G>A on the plus strand (C>T on the coding strand, the complement: KIF14 is on the minus strand). VCF-style: chr1-200605876-G-A. GRCh37 (hg19) VCF-style: chr1-200575004-G-A.
Other names: c.153C>T, p.Tyr51= (NM_001305792.1).
Identifiers: ClinVar variation 2639723 (VCV002639723.25), dbSNP rs148834478, ClinGen allele CA1317772.

ClinVar aggregate classification (germline): Likely benign. Review status: criteria provided, multiple submitters, no conflicts (2 of 4 stars). 2 submissions from 2 submitters: Likely benign (2). Last evaluated 2025-12-23.

Allele frequency attached by ClinVar (database versions not stated): gnomAD exomes 0.00002; ExAC 0.00004; gnomAD 0.00004; TOPMed 0.00005; ESP Exome Variant Server 0.00016.
gnomAD v4.1: 41 of 1,530,894 alleles (0.0027%); highest among the groups gnomAD compares: Non-Finnish European, 0.003%; no homozygotes.

Submissions (2):

Labcorp Genetics (formerly Invitae), Labcorp
Classification: Likely benign. Last evaluated: 2025-12-23. Review status: criteria provided, single submitter. Criteria: Invitae Variant Classification Sherloc (09022015). Collection method: clinical testing. Allele origin: germline.

CeGaT Center for Human Genetics Tuebingen
Classification: Likely benign. Last evaluated: 2023-02-01. Review status: criteria provided, single submitter. Criteria: CeGaT Center For Human Genetics Tuebingen Variant Classification Criteria Version 2. Collection method: clinical testing. Allele origin: germline. Affected: yes. Observed: 1 variant allele.
Comment: KIF14: BP4, BP7